The following is an entry in ClinVar:

NM_000287.4(PEX6):c.1368G>A (p.Gly456=)

Gene: PEX6 (peroxisomal biogenesis factor 6; minus strand). Cytogenetic location: 6p21.1.
Variant type: single nucleotide variant.
Coding change: c.1368G>A on transcript NM_000287.4 (MANE Select); coding-DNA position 1368, G replaced by A.
Protein change: p.Gly456=; no amino-acid change (glycine 456 retained).
Molecular consequence: synonymous variant. On other transcripts: non-coding transcript variant (1).
Genome position (GRCh38, 1-based): chr6:42,968,985, C>T on the plus strand (G>A on the coding strand, the complement: PEX6 is on the minus strand). VCF-style: chr6-42968985-C-T. GRCh37 (hg19) VCF-style: chr6-42936723-C-T.
Other names: c.1104G>A, p.Gly368= (NM_001316313.2).
Identifiers: ClinVar variation 501948 (VCV000501948.8), dbSNP rs763725671, ClinGen allele CA450254160.

ClinVar aggregate classification (germline): Uncertain significance. Review status: criteria provided, multiple submitters, no conflicts (2 of 4 stars). 2 submissions from 2 submitters: Uncertain significance (2). Last evaluated 2023-05-11.

Conditions:
Peroxisome biogenesis disorder. Identifiers: Orphanet 79189, MedGen C1832200, MONDO:0019234. Disease mechanism: loss of function.

Submissions (2):

Labcorp Genetics (formerly Invitae), Labcorp
Classification: Uncertain significance for Peroxisome biogenesis disorder. Last evaluated: 2023-05-11. Review status: criteria provided, single submitter. Criteria: Invitae Variant Classification Sherloc (09022015). Collection method: clinical testing. Allele origin: germline.
Comment: This variant is not present in population databases (gnomAD no frequency). In summary, the available evidence is currently insufficient to determine the role of this variant in disease. Therefore, it has been classified as a Variant of Uncertain Significance. Algorithms developed to predict the effect of sequence changes on RNA splicing suggest that this variant is not likely to affect RNA splicing. ClinVar contains an entry for this variant (Variation ID: 501948). This variant has not been reported in the literature in individuals affected with PEX6-related conditions. This sequence change affects codon 456 of the PEX6 mRNA. It is a 'silent' change, meaning that it does not change the encoded amino acid sequence of the PEX6 protein. It affects a nucleotide within the consensus splice site.

Eurofins Ntd Llc (ga)
Classification: Uncertain significance. Last evaluated: 2017-05-08. Review status: criteria provided, single submitter. Criteria: EGL Classification Definitions 2015. Collection method: clinical testing. Allele origin: germline. Observed: 1 variant allele, 1 heterozygote.